The following is an entry in ClinVar:

NM_001375380.1(EBF3):c.457G>A (p.Val153Met)

Gene: EBF3 (EBF transcription factor 3; minus strand). Cytogenetic location: 10q26.3.
Variant type: single nucleotide variant.
Coding change: c.457G>A on transcript NM_001375380.1 (MANE Select); coding-DNA position 457, G replaced by A.
Protein change: p.Val153Met; replaces valine 153 with methionine.
Molecular consequence: missense variant.
Genome position (GRCh38, 1-based): chr10:129,958,962, C>T on the plus strand (G>A on the coding strand, the complement: EBF3 is on the minus strand). VCF-style: chr10-129958962-C-T. GRCh37 (hg19) VCF-style: chr10-131757226-C-T.
Other names: c.457G>A, p.Val153Met (NM_001005463.3, NM_001375379.1, NM_001375389.1 and 3 more transcripts); short protein forms V153M.
Identifiers: ClinVar variation 4072768 (VCV004072768.1).

ClinVar aggregate classification (germline): Uncertain significance (1 of 4 stars; one submission).

Submission:

GeneDx
Classification: Uncertain significance. Last evaluated: 2025-01-30. Review status: criteria provided, single submitter. Criteria: GeneDx Variant Classification Process June 2021. Collection method: clinical testing. Allele origin: germline. Affected: yes.
Comment: Not observed at significant frequency in large population cohorts (gnomAD); In silico analysis indicates that this missense variant does not alter protein structure/function; Has not been previously published as pathogenic or benign to our knowledge